The following is an entry in ClinVar:

ClinVar aggregate classification (germline): Uncertain significance (1 of 4 stars; one submission).

Conditions:
COL6A3-related disorder. Also called: COL6A3-related condition; COL6A3-related disorders.

Submission:

PreventionGenetics, part of Exact Sciences
Classification: Uncertain significance for COL6A3-related condition. Last evaluated: 2023-05-05. Review status: criteria provided, single submitter. Criteria: ACMG Guidelines, 2015. Collection method: clinical testing. Allele origin: germline.
Comment: The COL6A3 c.52T>C variant is predicted to result in the amino acid substitution p.Ser18Pro. To our knowledge, this variant has not been reported in the literature or in a large population database, indicating this variant is rare. At this time, the clinical significance of this variant is uncertain due to the absence of conclusive functional and genetic evidence.

NM_004369.4(COL6A3):c.52T>C (p.Ser18Pro)

Gene: COL6A3 (collagen type VI alpha 3 chain; minus strand). Cytogenetic location: 2q37.3.
Variant type: single nucleotide variant.
Coding change: c.52T>C on transcript NM_004369.4 (MANE Select); coding-DNA position 52, T replaced by C.
Protein change: p.Ser18Pro; replaces serine 18 with proline.
Molecular consequence: missense variant.
Genome position (GRCh38, 1-based): chr2:237,396,766, A>G on the plus strand (T>C on the coding strand, the complement: COL6A3 is on the minus strand). VCF-style: chr2-237396766-A-G. GRCh37 (hg19) VCF-style: chr2-238305409-A-G.
Other names: c.52T>C, p.Ser18Pro (NM_057164.5, NM_057165.5, NM_057166.5 and 1 more transcripts); short protein forms S18P.
Identifiers: ClinVar variation 2633176 (VCV002633176.1), dbSNP rs2469981289, ClinGen allele CA351229220.